The following is an entry in ClinVar:

NM_002067.5(GNA11):c.104A>G (p.Asp35Gly)

Gene: GNA11 (G protein subunit alpha 11; plus strand). Cytogenetic location: 19p13.3.
Variant type: single nucleotide variant.
Coding change: c.104A>G on transcript NM_002067.5 (MANE Select); coding-DNA position 104, A replaced by G.
Protein change: p.Asp35Gly; replaces aspartic acid 35 with glycine.
Molecular consequence: missense variant.
Genome position (GRCh38, 1-based): chr19:3,094,755, A>G. VCF-style: chr19-3094755-A-G. GRCh37 (hg19) VCF-style: chr19-3094753-A-G.
Other names: short protein forms D35G.
Identifiers: ClinVar variation 3711005 (VCV003711005.2).

ClinVar aggregate classification (germline): Uncertain significance (1 of 4 stars; one submission).

gnomAD v4.1: 3 of 1,587,820 alleles (0.00019%); highest among the groups gnomAD compares: Non-Finnish European, 0.00026%; no homozygotes.

Submission:

Labcorp Genetics (formerly Invitae), Labcorp
Classification: Uncertain significance. Last evaluated: 2025-07-24. Review status: criteria provided, single submitter. Criteria: Invitae Variant Classification Sherloc (09022015). Collection method: clinical testing. Allele origin: germline.
Comment: This sequence change replaces aspartic acid, which is acidic and polar, with glycine, which is neutral and non-polar, at codon 35 of the GNA11 protein (p.Asp35Gly). This variant is not present in population databases (gnomAD no frequency). This variant has not been reported in the literature in individuals affected with GNA11-related conditions. ClinVar contains an entry for this variant (Variation ID: 3711005). Invitae Evidence Modeling of protein sequence and biophysical properties (such as structural, functional, and spatial information, amino acid conservation, physicochemical variation, residue mobility, and thermodynamic stability) indicates that this missense variant is not expected to disrupt GNA11 protein function with a negative predictive value of 80%. In summary, the available evidence is currently insufficient to determine the role of this variant in disease. Therefore, it has been classified as a Variant of Uncertain Significance.